The following is an entry in ClinVar:

ClinVar aggregate classification (germline): Uncertain significance (1 of 4 stars; one submission).

Conditions:
PLXNA4-related disorder. Also called: PLXNA4-related condition.

Submission:

PreventionGenetics, part of Exact Sciences
Classification: Uncertain significance for PLXNA4-related condition. Last evaluated: 2024-10-09. Review status: criteria provided, single submitter. Criteria: ACMG Guidelines, 2015. Collection method: clinical testing. Allele origin: germline.
Comment: The PLXNA4 c.5625delG variant is predicted to result in a frameshift and premature protein termination (p.Lys1876Serfs*8). To our knowledge, this variant has not been reported in the literature or in a large population database, indicating this variant is rare. Loss-of-function is not an established mechanism of disease; therefore, at this time, the clinical significance of this variant is uncertain due to the absence of conclusive functional and genetic evidence.

NM_020911.2(PLXNA4):c.5625del (p.Lys1876fs)

Gene: PLXNA4 (plexin A4; minus strand). Cytogenetic location: 7q32.3.
Variant type: Deletion.
Coding change: c.5625del on transcript NM_020911.2 (MANE Select); coding-DNA position 5625, one base deleted (G; older notation c.5625delG).
Protein change: p.Lys1876fs; shifts the reading frame from lysine 1876.
Molecular consequence: frameshift variant.
Genome position (GRCh38, 1-based): chr7:132,130,539, C deleted on the plus strand (G on the coding strand, the reverse complement: PLXNA4 is on the minus strand); the first of 3 consecutive C bases (chr7:132,130,539-132,130,541); deleting any one gives the same sequence. VCF-style (leftmost placement, unchanged base first): chr7-132130538-TC-T. GRCh37 (hg19) VCF-style: chr7-131815297-TC-T.
Other names: c.5625del, p.Lys1876fs (NM_001393897.1); short protein forms K1876fs.
Identifiers: ClinVar variation 4997799 (VCV004997799.1).
Genomic context (GRCh38, chr7:132,130,538, plus strand): 5'-CTCAGCTGTCTAAGCTCATGAGGGTTATGACTTGTTCTAGTTTGTAGGCCAGTTTCTGCT[TC>T]CCACACTGGTCATCGTGGTCCAGAGGTCCAAGGATCTGCGGAAGGGCCAAGAACAGGGAG-3'